The following is an entry in ClinVar:

NM_004447.6(EPS8):c.1933G>C (p.Val645Leu)

Gene: EPS8 (EGFR pathway substrate 8, signaling adaptor; minus strand). Cytogenetic location: 12p12.3.
Variant type: single nucleotide variant.
Coding change: c.1933G>C on transcript NM_004447.6 (MANE Select); coding-DNA position 1933, G replaced by C.
Protein change: p.Val645Leu; replaces valine 645 with leucine.
Molecular consequence: missense variant.
Genome position (GRCh38, 1-based): chr12:15,631,553, C>G on the plus strand (G>C on the coding strand, the complement: EPS8 is on the minus strand). VCF-style: chr12-15631553-C-G. GRCh37 (hg19) VCF-style: chr12-15784487-C-G.
Other names: c.1933G>C (NM_004447.5); c.1969G>C, p.Val657Leu (NM_001413831.1); c.1933G>C, p.Val645Leu (NM_001413832.1, NM_001413833.1, NM_001413834.1); c.1693G>C, p.Val565Leu (NM_001413835.1, NM_001413836.1); c.1516G>C, p.Val506Leu (NM_001413837.1); c.1153G>C, p.Val385Leu (NM_001413838.1); short protein forms V385L, V506L, V565L, V645L, V657L.
Identifiers: ClinVar variation 2420222 (VCV002420222.8), dbSNP rs375194249, ClinGen allele CA6467404.

ClinVar aggregate classification (germline): Uncertain significance. Review status: criteria provided, multiple submitters, no conflicts (2 of 4 stars). 2 submissions from 2 submitters: Uncertain significance (2). Last evaluated 2025-10-03.

Allele frequency attached by ClinVar (database versions not stated): gnomAD exomes below 0.00001; ExAC 0.00001; TOPMed 0.00001; gnomAD 0.00001; ESP Exome Variant Server 0.00008.
gnomAD v4.1: 3 of 1,613,826 alleles (0.00019%); highest among the groups gnomAD compares: African/African-American, 0.0027%; no homozygotes.

Submissions (2):

GeneDx
Classification: Uncertain significance. Last evaluated: 2025-10-03. Review status: criteria provided, single submitter. Criteria: GeneDx Variant Classification Process June 2021. Collection method: clinical testing. Allele origin: germline.
Comment: In silico analysis suggests that this missense variant does not alter protein structure/function; Has not been previously published as pathogenic or benign to our knowledge

Labcorp Genetics (formerly Invitae), Labcorp
Classification: Uncertain significance. Last evaluated: 2025-03-07. Review status: criteria provided, single submitter. Criteria: Invitae Variant Classification Sherloc (09022015). Collection method: clinical testing. Allele origin: germline.
Comment: This sequence change replaces valine, which is neutral and non-polar, with leucine, which is neutral and non-polar, at codon 645 of the EPS8 protein (p.Val645Leu). This variant is present in population databases (rs375194249, gnomAD 0.01%). This variant has not been reported in the literature in individuals affected with EPS8-related conditions. ClinVar contains an entry for this variant (Variation ID: 2420222). Invitae Evidence Modeling of protein sequence and biophysical properties (such as structural, functional, and spatial information, amino acid conservation, physicochemical variation, residue mobility, and thermodynamic stability) indicates that this missense variant is not expected to disrupt EPS8 protein function with a negative predictive value of 80%. In summary, the available evidence is currently insufficient to determine the role of this variant in disease. Therefore, it has been classified as a Variant of Uncertain Significance.